The following is an entry in ClinVar:

ClinVar aggregate classification (germline): Uncertain significance (1 of 4 stars; one submission).

Conditions:
Inborn genetic diseases. Identifiers: MedGen C0950123, MeSH D030342.

Submission:

Ambry Genetics
Classification: Uncertain significance for Inborn genetic diseases. Last evaluated: 2022-01-02. Review status: criteria provided, single submitter. Criteria: Ambry Variant Classification Scheme 2023. Collection method: clinical testing. Allele origin: germline.
Comment: The p.D660E variant (also known as c.1980C>G), located in coding exon 14 of the LTBP3 gene, results from a C to G substitution at nucleotide position 1980. The aspartic acid at codon 660 is replaced by glutamic acid, an amino acid with highly similar properties. This amino acid position is conserved. In addition, the in silico prediction for this alteration is inconclusive. Since supporting evidence is limited at this time, the clinical significance of this alteration remains unclear.

NM_001130144.3(LTBP3):c.1980C>G (p.Asp660Glu)

Gene: LTBP3 (latent transforming growth factor beta binding protein 3; minus strand). Cytogenetic location: 11q13.1.
Variant type: single nucleotide variant.
Coding change: c.1980C>G on transcript NM_001130144.3 (MANE Select); coding-DNA position 1980, C replaced by G.
Protein change: p.Asp660Glu; replaces aspartic acid 660 with glutamic acid.
Molecular consequence: missense variant.
Genome position (GRCh38, 1-based): chr11:65,547,566, G>C on the plus strand (C>G on the coding strand, the complement: LTBP3 is on the minus strand). VCF-style: chr11-65547566-G-C. GRCh37 (hg19) VCF-style: chr11-65315037-G-C.
Other names: c.1629C>G, p.Asp543Glu (NM_001164266.1); c.1980C>G, p.Asp660Glu (NM_021070.4); short protein forms D660E, D543E.
Identifiers: ClinVar variation 1783797 (VCV001783797.2), dbSNP rs2496153277, ClinGen allele CA381271186.